The following is an entry in ClinVar:

NM_006225.4(PLCD1):c.1554C>T (p.Tyr518=)

Gene: PLCD1 (phospholipase C delta 1; minus strand). Cytogenetic location: 3p22.2.
Variant type: single nucleotide variant.
Coding change: c.1554C>T on transcript NM_006225.4 (MANE Select); coding-DNA position 1554, C replaced by T.
Protein change: p.Tyr518=; no amino-acid change (tyrosine 518 retained).
Molecular consequence: synonymous variant. On other transcripts: non-coding transcript variant (1).
Genome position (GRCh38, 1-based): chr3:38,009,324, G>A on the plus strand (C>T on the coding strand, the complement: PLCD1 is on the minus strand). VCF-style: chr3-38009324-G-A. GRCh37 (hg19) VCF-style: chr3-38050815-G-A.
Other names: c.1617C>T, p.Tyr539= (NM_001130964.2).
Identifiers: ClinVar variation 789276 (VCV000789276.29), dbSNP rs115787371, ClinGen allele CA2313012.
Genomic context (GRCh38, chr3:38,009,324, plus strand): 5'-GGCCTCACCTGATTCTTGGAGCAGTCGAAGGGCACGGTTCTCAGAGAAGGACGCCATCTC[G>A]TAGAAGGCCTGTCCAGGGGTGCCAGGACTGGAGAAGCCCCCAAAGTGGACACTCTTGCAG-3'
Protein context (NP_006216.2, residues 508-528): SSPGTPGQAF[Tyr518=]EMASFSENRA

ClinVar aggregate classification (germline): Benign/Likely benign. Review status: criteria provided, multiple submitters, no conflicts (2 of 4 stars). 3 submissions from 3 submitters: Benign (1); Likely benign (2). Last evaluated 2024-11-24.

Allele frequency attached by ClinVar (database versions not stated): 1000 Genomes Project 30x 0.00078; 1000 Genomes Project 0.00080; gnomAD exomes 0.00162 and 0.00320; ExAC 0.00166; TOPMed 0.00170; gnomAD 0.00183 and 0.00186; ESP Exome Variant Server 0.00185.
gnomAD v4.1: 4,948 of 1,614,148 alleles (0.31%); highest among the groups gnomAD compares: Non-Finnish European, 0.39%; 16 homozygotes.

Submissions (3):

Blueprint Genetics
Classification: Likely benign. Last evaluated: 2024-11-24. Review status: criteria provided, single submitter. Criteria: ACMG Guidelines, 2015. Collection method: clinical testing. Allele origin: germline.

CeGaT Center for Human Genetics Tuebingen
Classification: Likely benign. Last evaluated: 2022-05-01. Review status: criteria provided, single submitter. Criteria: CeGaT Center For Human Genetics Tuebingen Variant Classification Criteria Version 2. Collection method: clinical testing. Allele origin: germline. Affected: yes. Observed: 1 variant allele.
Comment: PLCD1: BP4, BP7

Labcorp Genetics (formerly Invitae), Labcorp
Classification: Benign. Last evaluated: 2019-12-31. Review status: criteria provided, single submitter. Criteria: Invitae Variant Classification Sherloc (09022015). Collection method: clinical testing. Allele origin: germline.